The following is an entry in ClinVar:

ClinVar aggregate classification (germline): Uncertain significance (1 of 4 stars; one submission).

Allele frequency attached by ClinVar (database versions not stated): gnomAD exomes 0.00001; ExAC 0.00001.
gnomAD v4.1: 9 of 1,613,822 alleles (0.00056%); highest among the groups gnomAD compares: South Asian, 0.0011%; no homozygotes.

Submission:

Labcorp Genetics (formerly Invitae), Labcorp
Classification: Uncertain significance. Last evaluated: 2025-05-07. Review status: criteria provided, single submitter. Criteria: Invitae Variant Classification Sherloc (09022015). Collection method: clinical testing. Allele origin: germline.
Comment: This sequence change replaces isoleucine, which is neutral and non-polar, with leucine, which is neutral and non-polar, at codon 100 of the TBX20 protein (p.Ile100Leu). This variant is present in population databases (rs757103622, gnomAD 0.002%). This variant has not been reported in the literature in individuals affected with TBX20-related conditions. ClinVar contains an entry for this variant (Variation ID: 2736930). Invitae Evidence Modeling of protein sequence and biophysical properties (such as structural, functional, and spatial information, amino acid conservation, physicochemical variation, residue mobility, and thermodynamic stability) indicates that this missense variant is not expected to disrupt TBX20 protein function with a negative predictive value of 80%. In summary, the available evidence is currently insufficient to determine the role of this variant in disease. Therefore, it has been classified as a Variant of Uncertain Significance.

NM_001077653.2(TBX20):c.298A>C (p.Ile100Leu)

Gene: TBX20 (T-box transcription factor 20; minus strand). Cytogenetic location: 7p14.2.
Variant type: single nucleotide variant.
Coding change: c.298A>C on transcript NM_001077653.2 (MANE Select); coding-DNA position 298, A replaced by C.
Protein change: p.Ile100Leu; replaces isoleucine 100 with leucine.
Molecular consequence: missense variant.
Genome position (GRCh38, 1-based): chr7:35,250,033, T>G on the plus strand (A>C on the coding strand, the complement: TBX20 is on the minus strand). VCF-style: chr7-35250033-T-G. GRCh37 (hg19) VCF-style: chr7-35289645-T-G.
Other names: c.298A>C, p.Ile100Leu (NM_001166220.1); short protein forms I100L.
Identifiers: ClinVar variation 2736930 (VCV002736930.3), dbSNP rs757103622, ClinGen allele CA4217543.